The following is an entry in ClinVar:

ClinVar aggregate classification (germline): Likely benign (1 of 4 stars; one submission).

Allele frequency attached by ClinVar (database versions not stated): TOPMed 0.00001.

Submission:

CeGaT Center for Human Genetics Tuebingen
Classification: Likely benign. Last evaluated: 2023-02-01. Review status: criteria provided, single submitter. Criteria: CeGaT Center For Human Genetics Tuebingen Variant Classification Criteria Version 2. Collection method: clinical testing. Allele origin: germline. Affected: yes. Observed: 1 variant allele.
Comment: AUTS2: PM2:Supporting, BP4, BP7

NM_015570.4(AUTS2):c.78C>T (p.Ser26=)

Genes: AUTS2 (activator of transcription and developmental regulator AUTS2; plus strand), LOC129998550 (ATAC-STARR-seq lymphoblastoid silent region 18224; plus strand). Cytogenetic location: 7q11.22.
Variant type: single nucleotide variant.
Coding change: c.78C>T on transcript NM_015570.4 (MANE Select); coding-DNA position 78, C replaced by T.
Protein change: p.Ser26=; no amino-acid change (serine 26 retained).
Molecular consequence: synonymous variant.
Genome position (GRCh38, 1-based): chr7:69,599,731, C>T. VCF-style: chr7-69599731-C-T. GRCh37 (hg19) VCF-style: chr7-69064717-C-T.
Other names: c.78C>T, p.Ser26= (NM_001127231.3, NM_001127232.3).
Identifiers: ClinVar variation 2657525 (VCV002657525.24), dbSNP rs910011165, ClinGen allele CA160529075.